The following is an entry in ClinVar:

ClinVar aggregate classification (germline): Uncertain significance (1 of 4 stars; one submission).

gnomAD v4.1: 1 of 1,614,022 alleles (0.000062%); highest among the groups gnomAD compares: African/African-American, 0.0013%; no homozygotes.

Submission:

Women's Health and Genetics/Laboratory Corporation of America, LabCorp
Classification: Uncertain significance. Last evaluated: 2025-03-17. Review status: criteria provided, single submitter. Criteria: LabCorp Variant Classification Summary - May 2015. Collection method: clinical testing. Allele origin: germline.
Comment: Variant summary: NOD2 c.1264G>C (p.Val422Leu) results in a conservative amino acid change in the encoded protein sequence. Three of five in-silico tools predict a benign effect of the variant on protein function. The variant was absent in 251172 control chromosomes. The available data on variant occurrences in the general population are insufficient to allow any conclusion about variant significance. To our knowledge, no occurrence of c.1264G>C in individuals affected with Blau syndrome and no experimental evidence demonstrating its impact on protein function have been reported. No submitters have cited clinical-significance assessments for this variant to ClinVar. Based on the evidence outlined above, the variant was classified as uncertain significance.

NM_001370466.1(NOD2):c.1183G>C (p.Val395Leu)

Gene: NOD2 (nucleotide binding oligomerization domain containing 2; plus strand). Cytogenetic location: 16q12.1.
Variant type: single nucleotide variant.
Coding change: c.1183G>C on transcript NM_001370466.1 (MANE Select); coding-DNA position 1183, G replaced by C.
Protein change: p.Val395Leu; replaces valine 395 with leucine.
Molecular consequence: missense variant. On other transcripts: non-coding transcript variant (1).
Genome position (GRCh38, 1-based): chr16:50,711,175, G>C. VCF-style: chr16-50711175-G-C. GRCh37 (hg19) VCF-style: chr16-50745086-G-C.
Other names: c.1183G>C, p.Val395Leu (NM_001293557.2); c.1264G>C, p.Val422Leu (NM_022162.3); short protein forms V395L, V422L.
Identifiers: ClinVar variation 3895602 (VCV003895602.1).